The following is an entry in ClinVar:

NC_000012.12:g.128744329_128749559del

Variant type: Deletion.
Genome position: GRCh38: chr12:128,744,329-128,749,559. GRCh37 (hg19): chr12:129,228,874-129,234,104.
Identifiers: ClinVar variation 157264 (VCV000157264.3), ClinGen allele CA212348.

ClinVar aggregate classification (germline): not provided. Review status: no classification provided (0 of 4 stars). 2 submissions from 1 submitter: not provided (2).

Conditions:
Normal pregnancy. Identifiers: MedGen C0232989.
Preeclampsia. Identifiers: Orphanet 275555, MedGen C0032914, MONDO:0005081, HP:0100602.

Submissions (2):

Institute of Molecular and Cell Biology, University of Tartu
No classification provided. Condition: Preeclampsia. Review status: no classification provided. Collection method: case-control. Allele origin: unknown. Affected: yes. Study: Kasak2014.
Comment: The study aimed to determine the contribution of copy number variants in the genetic etiology of normal and complicated pregnancies. The samples represented (i) maternal blood DNA drawn from healthy pregnant women during 1st or 2nd trimester and (ii) maternal and paternal blood DNA drawn at term pregnancy cases representing normal and complicated gestations (severe preeclampsia, PE; gestational diabetes, GD; small-for-gestational age newborn, SGA; large-for-gestational age newborn, LGA). We performed CNV calling based on genome-wide genotyping dataset (Illumina HumanOmniExpress-24-v1 BeadChip) by applying three algorithms, QuantiSNP, GADA (Genome Alteration Detection Algorithm) and CNstream in parallel. The acquired CNV calls were merged with HD-CNV (Hotspot Detector for Copy Number Variants) program and only the CNVs predicted by at least two programs, were considered in subsequent analysis.

Institute of Molecular and Cell Biology, University of Tartu
No classification provided. Condition: Normal pregnancy. Review status: no classification provided. Collection method: case-control. Allele origin: unknown. Affected: yes. Study: Kasak2014.
Comment: the same text as in the submission from Institute of Molecular and Cell Biology, University of Tartu above.

Literature cited by the submitters: PubMed 25666259.